The following is an entry in ClinVar:

ClinVar aggregate classification (germline): Uncertain significance (1 of 4 stars; one submission).

Conditions:
Familial cancer of breast. Also called: hereditary breast carcinoma; Hereditary breast cancer; BREAST CANCER, FAMILIAL. Identifiers: Orphanet 227535, MedGen C0346153, MONDO:0016419, OMIM 114480. Disease mechanism: loss of function.

Submission:

Labcorp Genetics (formerly Invitae), Labcorp
Classification: Uncertain significance for Familial cancer of breast. Last evaluated: 2024-01-19. Review status: criteria provided, single submitter. Criteria: Invitae Variant Classification Sherloc (09022015). Collection method: clinical testing. Allele origin: germline.
Comment: This sequence change replaces serine, which is neutral and polar, with glycine, which is neutral and non-polar, at codon 381 of the BARD1 protein (p.Ser381Gly). This variant is not present in population databases (gnomAD no frequency). This variant has not been reported in the literature in individuals affected with BARD1-related conditions. An algorithm developed to predict the effect of missense changes on protein structure and function (PolyPhen-2) suggests that this variant is likely to be tolerated. In summary, the available evidence is currently insufficient to determine the role of this variant in disease. Therefore, it has been classified as a Variant of Uncertain Significance.

NM_000465.4(BARD1):c.1141A>G (p.Ser381Gly)

Gene: BARD1 (BRCA1 associated RING domain 1; minus strand). Cytogenetic location: 2q35.
Variant type: single nucleotide variant.
Coding change: c.1141A>G on transcript NM_000465.4 (MANE Select); coding-DNA position 1141, A replaced by G.
Protein change: p.Ser381Gly; replaces serine 381 with glycine.
Molecular consequence: missense variant. On other transcripts: non-coding transcript variant (2), intron variant (3).
Genome position (GRCh38, 1-based): chr2:214,780,733, T>C on the plus strand (A>G on the coding strand, the complement: BARD1 is on the minus strand). VCF-style: chr2-214780733-T-C. GRCh37 (hg19) VCF-style: chr2-215645457-T-C.
Other names: c.1084A>G, p.Ser362Gly (NM_001282543.2); c.159-28178A>G (NM_001282548.2); c.215+16328A>G (NM_001282545.2); c.364+11564A>G (NM_001282549.2); short protein forms S362G, S381G.
Identifiers: ClinVar variation 2710282 (VCV002710282.3), dbSNP rs2469503147, ClinGen allele CA350453978.